The following is an entry in ClinVar:

NM_030632.3(ASXL3):c.6709C>T (p.Pro2237Ser)

Gene: ASXL3 (ASXL transcriptional regulator 3; plus strand). Cytogenetic location: 18q12.1.
Variant type: single nucleotide variant.
Coding change: c.6709C>T on transcript NM_030632.3 (MANE Select); coding-DNA position 6709, C replaced by T.
Protein change: p.Pro2237Ser; replaces proline 2237 with serine.
Molecular consequence: missense variant.
Genome position (GRCh38, 1-based): chr18:33,746,557, C>T. VCF-style: chr18-33746557-C-T. GRCh37 (hg19) VCF-style: chr18-31326521-C-T.
Other names: short protein forms P2237S.
Identifiers: ClinVar variation 1803668 (VCV001803668.1), dbSNP rs371155785, ClinGen allele CA8934685.

ClinVar aggregate classification (germline): Uncertain significance (1 of 4 stars; one submission).

Allele frequency attached by ClinVar (database versions not stated): ExAC 0.00001; gnomAD 0.00001; TOPMed 0.00001; ESP Exome Variant Server 0.00008.

Submission:

GeneDx
Classification: Uncertain significance. Last evaluated: 2022-06-08. Review status: criteria provided, single submitter. Criteria: GeneDx Variant Classification Process June 2021. Collection method: clinical testing. Allele origin: germline. Affected: yes.
Comment: Has not been previously published as pathogenic or benign to our knowledge; In silico analysis supports that this missense variant has a deleterious effect on protein structure/function